The following is an entry in ClinVar:

NM_182493.3(MYLK3):c.1662+7C>T

Gene: MYLK3 (myosin light chain kinase 3; minus strand). Cytogenetic location: 16q11.2.
Variant type: single nucleotide variant.
Coding change: c.1662+7C>T on transcript NM_182493.3 (MANE Select); 7 bases into the intron after coding-DNA position 1662, C replaced by T.
Molecular consequence: intron variant.
Genome position (GRCh38, 1-based): chr16:46,729,587, G>A on the plus strand (C>T on the coding strand, the complement: MYLK3 is on the minus strand). VCF-style: chr16-46729587-G-A. GRCh37 (hg19) VCF-style: chr16-46763499-G-A.
Other names: c.639+7C>T (NM_001308301.1).
Identifiers: ClinVar variation 2748102 (VCV002748102.3), dbSNP rs2548904638, ClinGen allele CA2697555790.
Genomic context (GRCh38, chr16:46,729,587, plus strand): 5'-GGGCCCTGAGGGAAGGAAAGGAATCCTGAGGCTGGCCACAGGGACCTGGCCCAGCCAGAT[G>A]CCTCACCCGGTCCTTGGCGCTCTTCACTTTGATGATCTTGGCAGCCAGTGGGAGGCCTGT-3'

ClinVar aggregate classification (germline): Uncertain significance (1 of 4 stars; one submission).

Submission:

Labcorp Genetics (formerly Invitae), Labcorp
Classification: Uncertain significance. Last evaluated: 2023-07-29. Review status: criteria provided, single submitter. Criteria: Invitae Variant Classification Sherloc (09022015). Collection method: clinical testing. Allele origin: germline.
Comment: In summary, the available evidence is currently insufficient to determine the role of this variant in disease. Therefore, it has been classified as a Variant of Uncertain Significance. This sequence change falls in intron 6 of the MYLK3 gene. It does not directly change the encoded amino acid sequence of the MYLK3 protein. This variant is not present in population databases (gnomAD no frequency). This variant has not been reported in the literature in individuals affected with MYLK3-related conditions. Algorithms developed to predict the effect of sequence changes on RNA splicing suggest that this variant may create or strengthen a splice site.